The following is an entry in ClinVar:

NM_001999.4(FBN2):c.5484T>G (p.Ile1828Met)

Gene: FBN2 (fibrillin 2; minus strand). Cytogenetic location: 5q23.3.
Variant type: single nucleotide variant.
Coding change: c.5484T>G on transcript NM_001999.4 (MANE Select); coding-DNA position 5484, T replaced by G.
Protein change: p.Ile1828Met; replaces isoleucine 1828 with methionine.
Molecular consequence: missense variant.
Genome position (GRCh38, 1-based): chr5:128,305,887, A>C on the plus strand (T>G on the coding strand, the complement: FBN2 is on the minus strand). VCF-style: chr5-128305887-A-C. GRCh37 (hg19) VCF-style: chr5-127641579-A-C.
Other names: short protein forms I1828M.
Identifiers: ClinVar variation 2110224 (VCV002110224.4), dbSNP rs2479726016, ClinGen allele CA360741160.

ClinVar aggregate classification (germline): Uncertain significance (1 of 4 stars; one submission).

Conditions:
Congenital contractural arachnodactyly (CCA). Also called: BEALS SYNDROME; Beals-Hecht syndrome; Arthrogryposis, distal, type 9. Identifiers: Orphanet 115, MedGen C0220668, MONDO:0007363, OMIM 121050.

Allele frequency attached by ClinVar (database versions not stated): gnomAD exomes below 0.00001.
gnomAD v4.1: 5 of 1,613,856 alleles (0.00031%); highest among the groups gnomAD compares: Non-Finnish European, 0.00042%; no homozygotes.

Submission:

Labcorp Genetics (formerly Invitae), Labcorp
Classification: Uncertain significance for Congenital contractural arachnodactyly. Last evaluated: 2022-03-12. Review status: criteria provided, single submitter. Criteria: Invitae Variant Classification Sherloc (09022015). Collection method: clinical testing. Allele origin: germline.
Comment: In summary, the available evidence is currently insufficient to determine the role of this variant in disease. Therefore, it has been classified as a Variant of Uncertain Significance. Advanced modeling of protein sequence and biophysical properties (such as structural, functional, and spatial information, amino acid conservation, physicochemical variation, residue mobility, and thermodynamic stability) performed at Invitae indicates that this missense variant is not expected to disrupt FBN2 protein function. This variant has not been reported in the literature in individuals affected with FBN2-related conditions. This variant is not present in population databases (gnomAD no frequency). This sequence change replaces isoleucine, which is neutral and non-polar, with methionine, which is neutral and non-polar, at codon 1828 of the FBN2 protein (p.Ile1828Met).